The following is an entry in ClinVar:

ClinVar aggregate classification (germline): Uncertain significance (1 of 4 stars; one submission).

Conditions:
Cardiovascular phenotype. Identifiers: MedGen CN230736.

Allele frequency attached by ClinVar (database versions not stated): gnomAD exomes below 0.00001.
gnomAD v4.1: 3 of 1,613,358 alleles (0.00019%); highest among the groups gnomAD compares: Non-Finnish European, 0.00025%; no homozygotes.

Submission:

Ambry Genetics
Classification: Uncertain significance for Cardiovascular phenotype. Last evaluated: 2020-01-27. Review status: criteria provided, single submitter. Criteria: Ambry Variant Classification Scheme 2023. Collection method: clinical testing. Allele origin: germline.
Comment: The p.V14974G variant (also known as c.44921T>G), located in coding exon 153 of the TTN gene, results from a T to G substitution at nucleotide position 44921. The valine at codon 14974 is replaced by glycine, an amino acid with dissimilar properties. This amino acid position is not well conserved in available vertebrate species. In addition, the in silico prediction for this alteration is inconclusive. Since supporting evidence is limited at this time, the clinical significance of this alteration remains unclear.

NM_001267550.2(TTN):c.72116T>G (p.Val24039Gly)

Genes: TTN (titin; minus strand), TTN-AS1 (TTN antisense RNA 1; plus strand). Cytogenetic location: 2q31.2.
Variant type: single nucleotide variant.
Coding change: c.72116T>G on transcript NM_001267550.2 (MANE Select); coding-DNA position 72116, T replaced by G.
Protein change: p.Val24039Gly; replaces valine 24039 with glycine.
Molecular consequence: missense variant.
Genome position (GRCh38, 1-based): chr2:178,574,016, A>C on the plus strand (T>G on the coding strand, the complement: TTN is on the minus strand). VCF-style: chr2-178574016-A-C. GRCh37 (hg19) VCF-style: chr2-179438743-A-C.
Other names: c.67193T>G, p.Val22398Gly (NM_001256850.1); c.44921T>G, p.Val14974Gly (NM_003319.4); c.64412T>G, p.Val21471Gly (NM_133378.4); c.45296T>G, p.Val15099Gly (NM_133432.3); c.45497T>G, p.Val15166Gly (NM_133437.4); short protein forms V15166G, V24039G, V14974G, V21471G, V15099G, V22398G.
Identifiers: ClinVar variation 1740975 (VCV001740975.2), dbSNP rs2468610132, ClinGen allele CA349648480.